The following is an entry in ClinVar:

ClinVar aggregate classification (germline): Conflicting classifications of pathogenicity. Review status: criteria provided, conflicting classifications (1 of 4 stars). 4 submissions from 4 submitters: Likely pathogenic (1); Uncertain significance (2). 1 of the submissions does not count toward it. Last evaluated 2025-03-18.

Conditions:
Wilson disease (WND). Also called: Wilson's disease. Identifiers: Orphanet 905, MedGen C0019202, MONDO:0010200, OMIM 277900. Disease mechanism: loss of function.

gnomAD v4.1: 10 of 1,611,230 alleles (0.00062%); highest among the groups gnomAD compares: Non-Finnish European, 0.00076%; no homozygotes.

Submissions (4):

Women's Health and Genetics/Laboratory Corporation of America, LabCorp
Classification: Uncertain significance. Last evaluated: 2025-03-18. Review status: criteria provided, single submitter. Criteria: LabCorp Variant Classification Summary - May 2015. Collection method: clinical testing. Allele origin: germline.
Comment: Variant summary: ATP7B c.2999G>T (p.Gly1000Val) results in a non-conservative amino acid change in the encoded protein sequence. Five of five in-silico tools predict a damaging effect of the variant on protein function. The variant was absent in 244084 control chromosomes. The available data on variant occurrences in the general population are insufficient to allow any conclusion about variant significance. To our knowledge, no occurrence of c.2999G>T in individuals affected with Wilson Disease and no experimental evidence demonstrating its impact on protein function have been reported. ClinVar contains an entry for this variant (Variation ID: 2107627). Based on the evidence outlined above, the variant was classified as uncertain significance.

Fulgent Genetics
Classification: Uncertain significance for Wilson disease. Last evaluated: 2024-02-13. Review status: criteria provided, single submitter. Criteria: ACMG Guidelines, 2015. Collection method: clinical testing. Allele origin: germline.

Labcorp Genetics (formerly Invitae), Labcorp
Classification: Likely pathogenic for Wilson disease. Last evaluated: 2023-04-07. Review status: criteria provided, single submitter. Criteria: Invitae Variant Classification Sherloc (09022015). Collection method: clinical testing. Allele origin: germline.
Comment: In summary, the currently available evidence indicates that the variant is pathogenic, but additional data are needed to prove that conclusively. Therefore, this variant has been classified as Likely Pathogenic. This variant disrupts the p.Gly1000 amino acid residue in ATP7B. Other variant(s) that disrupt this residue have been determined to be pathogenic (PMID: 20333758, 30120852, 30230192, 30702195, 31059521). This suggests that this residue is clinically significant, and that variants that disrupt this residue are likely to be disease-causing. Advanced modeling of protein sequence and biophysical properties (such as structural, functional, and spatial information, amino acid conservation, physicochemical variation, residue mobility, and thermodynamic stability) performed at Invitae indicates that this missense variant is expected to disrupt ATP7B protein function. ClinVar contains an entry for this variant (Variation ID: 2107627). This variant has not been reported in the literature in individuals affected with ATP7B-related conditions. This variant is not present in population databases (gnomAD no frequency). This sequence change replaces glycine, which is neutral and non-polar, with valine, which is neutral and non-polar, at codon 1000 of the ATP7B protein (p.Gly1000Val).

Natera, Inc.
Classification: Uncertain significance for Wilson disease. Last evaluated: 2025-03-16. Review status: no assertion criteria provided. Collection method: clinical testing. Allele origin: germline. Not counted in ClinVar's aggregate classification.

Literature cited by the submitters: PubMed 20333758 (cited by Labcorp Genetics (formerly Invitae), Labcorp); PubMed 30120852 (cited by Labcorp Genetics (formerly Invitae), Labcorp); PubMed 30230192 (cited by Labcorp Genetics (formerly Invitae), Labcorp); PubMed 30702195 (cited by Labcorp Genetics (formerly Invitae), Labcorp); PubMed 31059521 (cited by Labcorp Genetics (formerly Invitae), Labcorp).

NM_000053.4(ATP7B):c.2999G>T (p.Gly1000Val)

Gene: ATP7B (ATPase copper transporting beta; minus strand). Cytogenetic location: 13q14.3.
Variant type: single nucleotide variant.
Coding change: c.2999G>T on transcript NM_000053.4 (MANE Select); coding-DNA position 2999, G replaced by T.
Protein change: p.Gly1000Val; replaces glycine 1000 with valine.
Molecular consequence: missense variant.
Genome position (GRCh38, 1-based): chr13:51,946,345, C>A on the plus strand (G>T on the coding strand, the complement: ATP7B is on the minus strand). VCF-style: chr13-51946345-C-A. GRCh37 (hg19) VCF-style: chr13-52520481-C-A.
Other names: c.2378G>T, p.Gly793Val (NM_001005918.3); c.2666G>T, p.Gly889Val (NM_001243182.2); c.2765G>T, p.Gly922Val (NM_001330578.2, NM_001406527.1, NM_001406528.1 and 1 more transcripts); c.2747G>T, p.Gly916Val (NM_001330579.2, NM_001406531.1, NM_001406532.1); c.2999G>T, p.Gly1000Val (NM_001406511.1, NM_001406512.1, NM_001406513.1 and 2 more transcripts); c.2966G>T, p.Gly989Val (NM_001406514.1); c.2945G>T, p.Gly982Val (NM_001406515.1, NM_001406516.1); c.2903G>T, p.Gly968Val (NM_001406517.1, NM_001406518.1); and 13 more; short protein forms G857V, G890V, G904V, G922V, G982V, G793V, G884V, G920V.
Identifiers: ClinVar variation 2107627 (VCV002107627.7), dbSNP rs1957653671, ClinGen allele CA388032072.